The following is an entry in ClinVar:

NM_025132.4(WDR19):c.2203C>G (p.Leu735Val)

Gene: WDR19 (WD repeat domain 19; plus strand). Cytogenetic location: 4p14.
Variant type: single nucleotide variant.
Coding change: c.2203C>G on transcript NM_025132.4 (MANE Select); coding-DNA position 2203, C replaced by G.
Protein change: p.Leu735Val; replaces leucine 735 with valine.
Molecular consequence: missense variant.
Genome position (GRCh38, 1-based): chr4:39,232,222, C>G. VCF-style: chr4-39232222-C-G. GRCh37 (hg19) VCF-style: chr4-39233842-C-G.
Other names: c.1723C>G, p.Leu575Val (NM_001317924.2); short protein forms L575V, L735V.
Identifiers: ClinVar variation 2099433 (VCV002099433.4), dbSNP rs1301391681, ClinGen allele CA356634948.

ClinVar aggregate classification (germline): Uncertain significance (1 of 4 stars; one submission).

Conditions:
Senior-Loken syndrome 8 (SLSN8). Identifiers: Orphanet 3156, MedGen C4225376, MONDO:0014579, OMIM 616307.
Asphyxiating thoracic dystrophy 5 (SRTD5). Also called: SHORT-RIB THORACIC DYSPLASIA 5 WITH OR WITHOUT POLYDACTYLY; SHORT-RIB THORACIC DYSPLASIA 5 WITHOUT POLYDACTYLY. Identifiers: Orphanet 474, MedGen C3280598, MONDO:0013717, OMIM 614376.

Allele frequency attached by ClinVar (database versions not stated): TOPMed below 0.00001; gnomAD 0.00001.
gnomAD v4.1: 1 of 1,613,684 alleles (0.000062%); highest among the groups gnomAD compares: African/African-American, 0.0013%; no homozygotes.

Submission:

Labcorp Genetics (formerly Invitae), Labcorp
Classification: Uncertain significance for Senior-Loken syndrome 8; Asphyxiating thoracic dystrophy 5. Last evaluated: 2025-07-31. Review status: criteria provided, single submitter. Criteria: Invitae Variant Classification Sherloc (09022015). Collection method: clinical testing. Allele origin: germline.
Comment: This sequence change replaces leucine, which is neutral and non-polar, with valine, which is neutral and non-polar, at codon 735 of the WDR19 protein (p.Leu735Val). This variant is not present in population databases (gnomAD no frequency). This variant has not been reported in the literature in individuals affected with WDR19-related conditions. ClinVar contains an entry for this variant (Variation ID: 2099433). Invitae Evidence Modeling of protein sequence and biophysical properties (such as structural, functional, and spatial information, amino acid conservation, physicochemical variation, residue mobility, and thermodynamic stability) indicates that this missense variant is not expected to disrupt WDR19 protein function with a negative predictive value of 80%. In summary, the available evidence is currently insufficient to determine the role of this variant in disease. Therefore, it has been classified as a Variant of Uncertain Significance.